The following is an entry in ClinVar:

NM_020632.3(ATP6V0A4):c.2430G>A (p.Trp810Ter)

Gene: ATP6V0A4 (ATPase H+ transporting V0 subunit a4; minus strand). Cytogenetic location: 7q34.
Variant type: single nucleotide variant.
Coding change: c.2430G>A on transcript NM_020632.3 (MANE Select); coding-DNA position 2430, G replaced by A.
Protein change: p.Trp810Ter; replaces tryptophan 810 with a stop codon.
Molecular consequence: nonsense.
Genome position (GRCh38, 1-based): chr7:138,706,717, C>T on the plus strand (G>A on the coding strand, the complement: ATP6V0A4 is on the minus strand). VCF-style: chr7-138706717-C-T. GRCh37 (hg19) VCF-style: chr7-138391462-C-T.
Other names: c.2430G>A, p.Trp810Ter (NM_130840.3, NM_130841.3); short protein forms W810*.
Identifiers: ClinVar variation 2799951 (VCV002799951.5), dbSNP rs2485749454, ClinGen allele CA369374048.

ClinVar aggregate classification (germline): Conflicting classifications of pathogenicity. Review status: criteria provided, conflicting classifications (1 of 4 stars). 3 submissions from 3 submitters: Likely pathogenic (1); Uncertain significance (2). Last evaluated 2025-06-04.

Conditions:
Renal tubular acidosis, distal, 3, with or without sensorineural hearing loss (DRTA3). Identifiers: MedGen C5399980, MONDO:0011268, OMIM 602722.

Allele frequency attached by ClinVar (database versions not stated): gnomAD exomes below 0.00001.
gnomAD v4.1: 1 of 1,613,174 alleles (0.000062%); highest among the groups gnomAD compares: Non-Finnish European, 0.000085%; no homozygotes.

Submissions (3):

3billion
Classification: Uncertain significance for Renal tubular acidosis, distal, 3, with or without sensorineural hearing loss. Last evaluated: 2025-06-04. Review status: criteria provided, single submitter. Criteria: ACMG Guidelines, 2015. Collection method: clinical testing. Allele origin: germline. Affected: yes.
Comment: The variant is observed at an extremely low frequency in the gnomAD v4.1.0 dataset (total allele frequency: <0.001%). Predicted Consequence/Location: Stop-gained (nonsense): predicted to result in a loss or disruption of normal protein function through protein truncation. The predicted truncated protein may be shortened by less than 10%. The variant has been reported to be associated with ATP6V0A4-related disorder (ClinVar ID: VCV002799951). However, the evidence of pathogenicity is insufficient at this time. Therefore, this variant is classified as VUS according to the recommendation of ACMG/AMP guideline.

Fulgent Genetics
Classification: Uncertain significance for Renal tubular acidosis, distal, 3, with or without sensorineural hearing loss. Last evaluated: 2024-05-16. Review status: criteria provided, single submitter. Criteria: ACMG Guidelines, 2015. Collection method: clinical testing. Allele origin: germline.

Labcorp Genetics (formerly Invitae), Labcorp
Classification: Likely pathogenic. Last evaluated: 2024-02-07. Review status: criteria provided, single submitter. Criteria: Invitae Variant Classification Sherloc (09022015). Collection method: clinical testing. Allele origin: germline.
Comment: This sequence change creates a premature translational stop signal (p.Trp810*) in the ATP6V0A4 gene. While this is not anticipated to result in nonsense mediated decay, it is expected to disrupt the last 31 amino acid(s) of the ATP6V0A4 protein. This variant is not present in population databases (gnomAD no frequency). This premature translational stop signal has been observed in individual(s) with clinical features of ATP6V0A4-related conditions (Invitae). In at least one individual the data is consistent with being in trans (on the opposite chromosome) from a pathogenic variant. This variant disrupts a region of the ATP6V0A4 protein in which other variant(s) (p.Gly820Arg) have been observed in individuals with ATP6V0A4-related conditions (PMID: 10973252). This suggests that this is a clinically significant region of the protein, and that variants that disrupt it are likely to be disease-causing. In summary, the currently available evidence indicates that the variant is pathogenic, but additional data are needed to prove that conclusively. Therefore, this variant has been classified as Likely Pathogenic.

Literature cited by the submitters: PubMed 10973252 (cited by Labcorp Genetics (formerly Invitae), Labcorp).